The following is an entry in ClinVar:

NM_001089.3(ABCA3):c.2890G>A (p.Gly964Ser)

Gene: ABCA3 (ATP binding cassette subfamily A member 3; minus strand). Cytogenetic location: 16p13.3.
Variant type: single nucleotide variant.
Coding change: c.2890G>A on transcript NM_001089.3 (MANE Select); coding-DNA position 2890, G replaced by A.
Protein change: p.Gly964Ser; replaces glycine 964 with serine.
Molecular consequence: missense variant.
Genome position (GRCh38, 1-based): chr16:2,288,140, C>T on the plus strand (G>A on the coding strand, the complement: ABCA3 is on the minus strand). VCF-style: chr16-2288140-C-T. GRCh37 (hg19) VCF-style: chr16-2338141-C-T.
Other names: short protein forms G964S.
Identifiers: ClinVar variation 2736309 (VCV002736309.5), dbSNP rs141233327, ClinGen allele CA7840677.

ClinVar aggregate classification (germline): Pathogenic/Likely pathogenic. Review status: criteria provided, multiple submitters, no conflicts (2 of 4 stars). 2 submissions from 2 submitters: Pathogenic (1); Likely pathogenic (1). Last evaluated 2025-11-09.

Conditions:
Interstitial lung disease due to ABCA3 deficiency. Also called: PULMONARY ALVEOLAR PROTEINOSIS, CONGENITAL, 3. Identifiers: Orphanet 440402, MedGen C1970456, MONDO:0012582, OMIM 610921.

Allele frequency attached by ClinVar (database versions not stated): gnomAD exomes below 0.00001; ExAC 0.00001; TOPMed 0.00001; gnomAD 0.00002; 1000 Genomes Project 30x 0.00016; 1000 Genomes Project 0.00020.
gnomAD v4.1: 7 of 1,612,054 alleles (0.00043%); highest among the groups gnomAD compares: South Asian, 0.0011%; no homozygotes.

Submissions (2):

Labcorp Genetics (formerly Invitae), Labcorp
Classification: Pathogenic. Last evaluated: 2025-11-09. Review status: criteria provided, single submitter. Criteria: Invitae Variant Classification Sherloc (09022015). Collection method: clinical testing. Allele origin: germline.
Comment: This sequence change replaces glycine, which is neutral and non-polar, with serine, which is neutral and polar, at codon 964 of the ABCA3 protein (p.Gly964Ser). The frequency data for this variant in the population databases is considered unreliable, as metrics indicate poor data quality at this position in the gnomAD database. This missense change has been observed in individual(s) with autosomal recessive ABCA3-related conditions (PMID: 22068586, 24871971, 31081264, 31360696). In at least one individual the data is consistent with being in trans (on the opposite chromosome) from a pathogenic variant. ClinVar contains an entry for this variant (Variation ID: 2736309). Invitae Evidence Modeling of protein sequence and biophysical properties (such as structural, functional, and spatial information, amino acid conservation, physicochemical variation, residue mobility, and thermodynamic stability) indicates that this missense variant is not expected to disrupt ABCA3 protein function with a negative predictive value of 80%. For these reasons, this variant has been classified as Pathogenic.

Fulgent Genetics
Classification: Likely pathogenic for Interstitial lung disease due to ABCA3 deficiency. Last evaluated: 2024-03-22. Review status: criteria provided, single submitter. Criteria: ACMG Guidelines, 2015. Collection method: clinical testing. Allele origin: germline.

Literature cited by the submitters: PubMed 22068586 (cited by Labcorp Genetics (formerly Invitae), Labcorp); PubMed 24871971 (cited by Labcorp Genetics (formerly Invitae), Labcorp); PubMed 31081264 (cited by Labcorp Genetics (formerly Invitae), Labcorp); PubMed 31360696 (cited by Labcorp Genetics (formerly Invitae), Labcorp).